The following is an entry in ClinVar:

ClinVar aggregate classification (germline): Likely benign. Review status: criteria provided, multiple submitters, no conflicts (2 of 4 stars). 2 submissions from 2 submitters: Likely benign (2). Last evaluated 2018-01-13.

Conditions:
Cystathioninuria. Also called: CYSTATHIONASE DEFICIENCY. Identifiers: Orphanet 212, MedGen C0220993, MONDO:0009058, OMIM 219500, HP:0003153.

Allele frequency attached by ClinVar (database versions not stated): gnomAD exomes 0.00073 and 0.00212; ExAC 0.00271; gnomAD 0.00795 and 0.00859; TOPMed 0.00867; ESP Exome Variant Server 0.00938; 1000 Genomes Project 0.00958; 1000 Genomes Project 30x 0.01046.
gnomAD v4.1: 2,315 of 1,614,094 alleles (0.14%); highest among the groups gnomAD compares: African/African-American, 2.8%; 42 homozygotes.

Submissions (2):

Illumina Laboratory Services, Illumina
Classification: Likely benign for Cystathioninuria. Last evaluated: 2018-01-13. Review status: criteria provided, single submitter. Criteria: ICSL Variant Classification Criteria 13 December 2019. Collection method: clinical testing. Allele origin: germline.
Comment: This variant was observed in the ICSL laboratory as part of a predisposition screen in an ostensibly healthy population. It had not been previously curated by ICSL or reported in the Human Gene Mutation Database (HGMD: prior to June 1st, 2018), and was therefore a candidate for classification through an automated scoring system. Utilizing variant allele frequency, disease prevalence and penetrance estimates, and inheritance mode, an automated score was calculated to assess if this variant is too frequent to cause the disease. Based on the score and internal cut-off values, a variant classified as likely benign is not then subjected to further curation. The score for this variant resulted in a classification of likely benign for this disease.

Breakthrough Genomics
Classification: Likely benign. Review status: criteria provided, single submitter. Criteria: ACMG Guidelines, 2015. Collection method: not provided. Allele origin: germline. Inheritance: Autosomal recessive inheritance. Affected: yes.

NM_001902.6(CTH):c.129G>A (p.Leu43=)

Gene: CTH (cystathionine gamma-lyase; plus strand). Cytogenetic location: 1p31.1.
Variant type: single nucleotide variant.
Coding change: c.129G>A on transcript NM_001902.6 (MANE Select); coding-DNA position 129, G replaced by A.
Protein change: p.Leu43=; no amino-acid change (leucine 43 retained).
Molecular consequence: synonymous variant.
Genome position (GRCh38, 1-based): chr1:70,411,544, G>A. VCF-style: chr1-70411544-G-A. GRCh37 (hg19) VCF-style: chr1-70877227-G-A.
Other names: c.129G>A, p.Leu43= (NM_001190463.2, NM_153742.5).
Identifiers: ClinVar variation 876320 (VCV000876320.5), dbSNP rs61735624, ClinGen allele CA906075.
Genomic context (GRCh38, chr1:70,411,544, plus strand): 5'-CCATGTGGGCCAGGATCCAGAGCAATGGACCTCCAGGGCTGTAGTGCCCCCCATCTCACT[G>A]TCCACCACGTTCAAGCAAGGGGCGCCTGGCCAGCACTCGGTGAGCTGGGTCTGTCTGGGG-3'
Protein context (NP_001893.2, residues 33-53): TSRAVVPPIS[Leu43=]STTFKQGAPG